The following is an entry in ClinVar:

NM_000080.4(CHRNE):c.1326+1G>A

Gene: CHRNE (cholinergic receptor nicotinic epsilon subunit; minus strand). Cytogenetic location: 17p13.2.
Variant type: single nucleotide variant.
Coding change: c.1326+1G>A on transcript NM_000080.4 (MANE Select); the canonical splice donor site of the intron after coding-DNA position 1326, G replaced by A.
Molecular consequence: splice donor variant.
Genome position (GRCh38, 1-based): chr17:4,899,000, C>T on the plus strand (G>A on the coding strand, the complement: CHRNE is on the minus strand). VCF-style: chr17-4899000-C-T. GRCh37 (hg19) VCF-style: chr17-4802295-C-T.
Other names: c.1326+1G>A (NM_000080.3).
Identifiers: ClinVar variation 488482 (VCV000488482.10), dbSNP rs1430654625, ClinGen allele CA397298067.

ClinVar aggregate classification (germline): Pathogenic/Likely pathogenic. Review status: criteria provided, multiple submitters, no conflicts (2 of 4 stars). 4 submissions from 4 submitters: Pathogenic (1); Likely pathogenic (3). Last evaluated 2025-12-22.

Conditions:
CHRNE-related disorder. Also called: CHRNE-related condition.
Congenital myasthenic syndrome 4A. Also called: Myasthenic syndrome, congenital, 4a, slow-channel; MYASTHENIC SYNDROME, CONGENITAL, 4A, SLOW-CHANNEL, AUTOSOMAL RECESSIVE; CONGENITAL MYASTHENIC SYNDROME TYPE Ia1. Identifiers: Orphanet 590, MedGen C4225413, MONDO:0011600, OMIM 605809.
Congenital myasthenic syndrome (CMS). Also called: Congenital Myasthenic Syndromes. Identifiers: Orphanet 590, MedGen C0751882, MeSH D020294, MONDO:0018940.
Congenital myasthenic syndrome 4C (CMS4C). Also called: Myasthenic syndrome, congenital, associated with acetylcholine receptor deficiency. Identifiers: Orphanet 590, MedGen C1837091, MONDO:0012157, OMIM 608931.

Allele frequency attached by ClinVar (database versions not stated): gnomAD exomes below 0.00001.
gnomAD v4.1: 1 of 1,591,844 alleles (0.000063%); highest among the groups gnomAD compares: Non-Finnish European, 0.000085%; no homozygotes.

Submissions (4):

Natera, Inc.
Classification: Likely pathogenic for Congenital myasthenic syndrome. Last evaluated: 2025-12-22. Review status: criteria provided, single submitter. Criteria: Natera Variant Classification Schema (03/2026). Collection method: clinical testing. Allele origin: germline.
Comment: The c.1326+1G>A variant in CHRNE is a canonical splice donor site variant predicted to affect pre-mRNA splicing, which may result in an abnormal transcript and altered protein product. This variant is expected to result in nonsense mediated decay, truncation, or a dysfunctional protein product. This variant is rare in the general population with a frequency below the threshold expected for the associated phenotype(s). This variant has been observed in one or more individuals affected with the associated recessive disease, as either homozygous or compound heterozygous with a second variant (PMID: 36308527). Additionally, this variant has been observed to segregate in affected family members (PMID: 36308527). Given the available evidence, this variant is classified as Likely Pathogenic.

3billion
Classification: Likely pathogenic for CHRNE-related disorder. Last evaluated: 2024-08-29. Review status: criteria provided, single submitter. Criteria: ACMG Guidelines, 2015. Collection method: clinical testing. Allele origin: germline. Affected: yes.
Comment: The variant is observed at an extremely low frequency in the gnomAD v4.0.0 dataset (total allele frequency: <0.001%). Predicted Consequence/Location: Canonical splice site: predicted to alter splicing and result in a loss or disruption of normal protein function. The predicted truncated protein may be shortened by less than 10%. In silico tools predict the variant to alter splicing and produce an abnormal transcript [SpliceAI: 0.69 (spliceogenicity >=0.2, non-spliceogenicity <0.1)]. The variant has been reported at least twice as pathogenic without evidence for the classification (ClinVar ID: VCV000488482 /PMID: 36308527). Therefore, this variant is classified as Likely pathogenic according to the recommendation of ACMG/AMP guideline.

Labcorp Genetics (formerly Invitae), Labcorp
Classification: Pathogenic for Congenital myasthenic syndrome 4A. Last evaluated: 2022-03-31. Review status: criteria provided, single submitter. Criteria: Invitae Variant Classification Sherloc (09022015). Collection method: clinical testing. Allele origin: germline.
Comment: This variant disrupts a region of the CHRNE protein in which other variant(s) (p.Asn452Glufs*4) have been determined to be pathogenic (PMID: 8957026, 15951177, 19064877, 21175599, 28024842, 29054425). This suggests that this is a clinically significant region of the protein, and that variants that disrupt it are likely to be disease-causing. Variants that disrupt the consensus splice site are a relatively common cause of aberrant splicing (PMID: 17576681, 9536098). Algorithms developed to predict the effect of sequence changes on RNA splicing suggest that this variant may disrupt the consensus splice site. ClinVar contains an entry for this variant (Variation ID: 488482). This variant has not been reported in the literature in individuals affected with CHRNE-related conditions. This variant is not present in population databases (gnomAD no frequency). This sequence change affects a donor splice site in intron 11 of the CHRNE gene. While this variant is not anticipated to result in nonsense mediated decay, it likely alters RNA splicing and results in a disrupted protein product. For these reasons, this variant has been classified as Pathogenic.

Institute of Human Genetics Munich, TUM University Hospital
Classification: Likely pathogenic for Congenital myasthenic syndrome 4C. Last evaluated: 2017-09-08. Review status: criteria provided, single submitter. Criteria: Classification criteria August 2017. Collection method: clinical testing. Allele origin: germline. Inheritance: Autosomal recessive inheritance. Affected: yes. Observed: 2 homozygotes.

Literature cited by the submitters: PubMed 36308527 (cited by Natera, Inc. and 3billion); PubMed 8957026 (cited by Labcorp Genetics (formerly Invitae), Labcorp); PubMed 15951177 (cited by Labcorp Genetics (formerly Invitae), Labcorp); PubMed 19064877 (cited by Labcorp Genetics (formerly Invitae), Labcorp); PubMed 21175599 (cited by Labcorp Genetics (formerly Invitae), Labcorp); PubMed 28024842 (cited by Labcorp Genetics (formerly Invitae), Labcorp); PubMed 29054425 (cited by Labcorp Genetics (formerly Invitae), Labcorp); PubMed 17576681 (cited by Labcorp Genetics (formerly Invitae), Labcorp); PubMed 9536098 (cited by Labcorp Genetics (formerly Invitae), Labcorp).